The following is an entry in ClinVar:

NM_153026.3(PRICKLE1):c.1767C>G (p.His589Gln)

Gene: PRICKLE1 (prickle planar cell polarity protein 1; minus strand). Cytogenetic location: 12q12.
Variant type: single nucleotide variant.
Coding change: c.1767C>G on transcript NM_153026.3 (MANE Select); coding-DNA position 1767, C replaced by G.
Protein change: p.His589Gln; replaces histidine 589 with glutamine.
Molecular consequence: missense variant.
Genome position (GRCh38, 1-based): chr12:42,460,538, G>C on the plus strand (C>G on the coding strand, the complement: PRICKLE1 is on the minus strand). VCF-style: chr12-42460538-G-C. GRCh37 (hg19) VCF-style: chr12-42854340-G-C.
Other names: c.1767C>G, p.His589Gln (NM_001144881.2, NM_001144882.2, NM_001144883.2); short protein forms H589Q.
Identifiers: ClinVar variation 1946083 (VCV001946083.5), dbSNP rs1355828220, ClinGen allele CA384440929.
Genomic context (GRCh38, chr12:42,460,538, plus strand): 5'-AGGCAGGATTTTCTCTGGACACAACTCTGAACTTAGACTCTTTAAGGACTCTGCACTCCT[G>C]TGCAGCATGGAAGAGTTCAAAGTTCCCATATTGCTCATCTTCTCACAATCTTCTGTTTCC-3'
Protein context (NP_694571.2, residues 579-599): NMGTLNSSML[His589Gln]RSAESLKSLS

ClinVar aggregate classification (germline): Uncertain significance (1 of 4 stars; one submission).

Conditions:
Epilepsy, progressive myoclonic, 1B. Also called: PME. Identifiers: Orphanet 308, MedGen C2676254, MONDO:0012904, OMIM 612437.

gnomAD v4.1: 1 of 1,614,136 alleles (0.000062%); no homozygotes.

Submission:

Labcorp Genetics (formerly Invitae), Labcorp
Classification: Uncertain significance for Epilepsy, progressive myoclonic, 1B. Last evaluated: 2022-11-22. Review status: criteria provided, single submitter. Criteria: Invitae Variant Classification Sherloc (09022015). Collection method: clinical testing. Allele origin: germline.
Comment: This sequence change replaces histidine, which is basic and polar, with glutamine, which is neutral and polar, at codon 589 of the PRICKLE1 protein (p.His589Gln). This variant is present in population databases (no rsID available, gnomAD 0.003%). This variant has not been reported in the literature in individuals affected with PRICKLE1-related conditions. Advanced modeling of protein sequence and biophysical properties (such as structural, functional, and spatial information, amino acid conservation, physicochemical variation, residue mobility, and thermodynamic stability) performed at Invitae indicates that this missense variant is not expected to disrupt PRICKLE1 protein function. In summary, the available evidence is currently insufficient to determine the role of this variant in disease. Therefore, it has been classified as a Variant of Uncertain Significance.